The following is an entry in ClinVar:

ClinVar aggregate classification (germline): Benign. Review status: criteria provided, multiple submitters, no conflicts (2 of 4 stars). 2 submissions from 2 submitters: Benign (2). Last evaluated 2022-03-01.

Allele frequency attached by ClinVar (database versions not stated): 1000 Genomes Project 0.00300; 1000 Genomes Project 30x 0.00344; gnomAD 0.00754 and 0.00766; TOPMed 0.00755; ESP Exome Variant Server 0.00853.
gnomAD v4.1: 16,982 of 1,613,218 alleles (1.1%); highest among the groups gnomAD compares: Non-Finnish European, 1.3%; 104 homozygotes.

Submissions (2):

CeGaT Center for Human Genetics Tuebingen
Classification: Benign. Last evaluated: 2022-03-01. Review status: criteria provided, single submitter. Criteria: CeGaT Center For Human Genetics Tuebingen Variant Classification Criteria Version 2. Collection method: clinical testing. Allele origin: germline. Affected: yes. Observed: 1 variant allele.
Comment: E2F3: BP4, BS1, BS2

Labcorp Genetics (formerly Invitae), Labcorp
Classification: Benign. Last evaluated: 2018-10-17. Review status: criteria provided, single submitter. Criteria: Invitae Variant Classification Sherloc (09022015). Collection method: clinical testing. Allele origin: germline.

NM_001949.5(E2F3):c.1165G>A (p.Asp389Asn)

Gene: E2F3 (E2F transcription factor 3; plus strand). Cytogenetic location: 6p22.3.
Variant type: single nucleotide variant.
Coding change: c.1165G>A on transcript NM_001949.5 (MANE Select); coding-DNA position 1165, G replaced by A.
Protein change: p.Asp389Asn; replaces aspartic acid 389 with asparagine.
Molecular consequence: missense variant.
Genome position (GRCh38, 1-based): chr6:20,490,197, G>A. VCF-style: chr6-20490197-G-A. GRCh37 (hg19) VCF-style: chr6-20490428-G-A.
Other names: c.772G>A, p.Asp258Asn (NM_001243076.3); short protein forms D389N, D258N.
Identifiers: ClinVar variation 787663 (VCV000787663.27), dbSNP rs4134982, ClinGen allele CA3652926.